The following is an entry in ClinVar:

NM_004204.5(PIGQ):c.1487T>A (p.Leu496Gln)

Gene: PIGQ (phosphatidylinositol glycan anchor biosynthesis class Q; plus strand). Cytogenetic location: 16p13.3.
Variant type: single nucleotide variant.
Coding change: c.1487T>A on transcript NM_004204.5 (MANE Select); coding-DNA position 1487, T replaced by A.
Protein change: p.Leu496Gln; replaces leucine 496 with glutamine.
Molecular consequence: missense variant.
Genome position (GRCh38, 1-based): chr16:580,928, T>A. VCF-style: chr16-580928-T-A. GRCh37 (hg19) VCF-style: chr16-630928-T-A.
Other names: c.1487T>A (NM_148920.1); c.1487T>A, p.Leu496Gln (NM_148920.4); short protein forms L496Q.
Identifiers: ClinVar variation 1964392 (VCV001964392.3), dbSNP rs746073489, ClinGen allele CA394059246.

ClinVar aggregate classification (germline): Uncertain significance. Review status: criteria provided, multiple submitters, no conflicts (2 of 4 stars). 2 submissions from 2 submitters: Uncertain significance (2). Last evaluated 2025-08-02.

Conditions:
Inborn genetic diseases. Identifiers: MedGen C0950123, MeSH D030342.
Epilepsy. Also called: Seizure disorder. Identifiers: MedGen C0014544, MeSH D004827, MONDO:0005027.

Submissions (2):

Ambry Genetics
Classification: Uncertain significance for Inborn genetic diseases. Last evaluated: 2025-08-02. Review status: criteria provided, single submitter. Criteria: Ambry Variant Classification Scheme 2023. Collection method: clinical testing. Allele origin: germline.

Labcorp Genetics (formerly Invitae), Labcorp
Classification: Uncertain significance for Epilepsy. Last evaluated: 2022-05-31. Review status: criteria provided, single submitter. Criteria: Invitae Variant Classification Sherloc (09022015). Collection method: clinical testing. Allele origin: germline.
Comment: This sequence change replaces leucine, which is neutral and non-polar, with glutamine, which is neutral and polar, at codon 496 of the PIGQ protein (p.Leu496Gln). This variant is not present in population databases (gnomAD no frequency). This variant has not been reported in the literature in individuals affected with PIGQ-related conditions. Algorithms developed to predict the effect of missense changes on protein structure and function (SIFT, PolyPhen-2, Align-GVGD) all suggest that this variant is likely to be disruptive. In summary, the available evidence is currently insufficient to determine the role of this variant in disease. Therefore, it has been classified as a Variant of Uncertain Significance.